The following is an entry in ClinVar:

NM_000057.4(BLM):c.3521G>A (p.Gly1174Glu)

Gene: BLM (BLM RecQ like helicase; plus strand). Cytogenetic location: 15q26.1.
Variant type: single nucleotide variant.
Coding change: c.3521G>A on transcript NM_000057.4 (MANE Select); coding-DNA position 3521, G replaced by A.
Protein change: p.Gly1174Glu; replaces glycine 1174 with glutamic acid.
Molecular consequence: missense variant. On other transcripts: intron variant (1).
Genome position (GRCh38, 1-based): chr15:90,803,683, G>A. VCF-style: chr15-90803683-G-A. GRCh37 (hg19) VCF-style: chr15-91346913-G-A.
Other names: c.3521G>A, p.Gly1174Glu (NM_001287246.2); c.2396G>A, p.Gly799Glu (NM_001287248.2); c.3358+5346G>A (NM_001287247.2); short protein forms G1174E, G799E.
Identifiers: ClinVar variation 1720389 (VCV001720389.6), dbSNP rs2505547726, ClinGen allele CA393847780.

ClinVar aggregate classification (germline): Uncertain significance (1 of 4 stars; one submission).

Conditions:
Bloom syndrome (BLM). Also called: Bloom-Torre-Machacek syndrome. Identifiers: Orphanet 125, MedGen C0005859, MONDO:0008876, OMIM 210900.

Submission:

Labcorp Genetics (formerly Invitae), Labcorp
Classification: Uncertain significance for Bloom syndrome. Last evaluated: 2022-09-26. Review status: criteria provided, single submitter. Criteria: Invitae Variant Classification Sherloc (09022015). Collection method: clinical testing. Allele origin: germline.
Comment: This sequence change replaces glycine, which is neutral and non-polar, with glutamic acid, which is acidic and polar, at codon 1174 of the BLM protein (p.Gly1174Glu). This variant is not present in population databases (gnomAD no frequency). This variant has not been reported in the literature in individuals affected with BLM-related conditions. Advanced modeling of protein sequence and biophysical properties (such as structural, functional, and spatial information, amino acid conservation, physicochemical variation, residue mobility, and thermodynamic stability) performed at Invitae indicates that this missense variant is expected to disrupt BLM protein function. In summary, the available evidence is currently insufficient to determine the role of this variant in disease. Therefore, it has been classified as a Variant of Uncertain Significance.